The following is an entry in ClinVar:

ClinVar aggregate classification (germline): Likely benign. Review status: criteria provided, multiple submitters, no conflicts (2 of 4 stars). 2 submissions from 2 submitters: Likely benign (2). Last evaluated 2025-11-02.

Conditions:
NF1-related disorder. Also called: NF1-related condition. Identifiers: MedGen CN379171.

gnomAD v4.1: 169 of 152,224 alleles (0.11%); highest among the groups gnomAD compares: African/African-American, 0.39%; no homozygotes.

Submissions (2):

PreventionGenetics, part of Exact Sciences
Classification: Likely benign for NF1-related condition. Last evaluated: 2025-11-02. Review status: criteria provided, single submitter. Criteria: ACMG Guidelines, 2015. Collection method: clinical testing. Allele origin: germline.
Comment: This variant is classified as likely benign based on ACMG/AMP sequence variant interpretation guidelines (Richards et al. 2015 PMID: 25741868, with internal and published modifications).

Blueprint Genetics
Classification: Likely benign. Last evaluated: 2022-05-03. Review status: criteria provided, single submitter. Criteria: ACMG Guidelines, 2015. Collection method: clinical testing. Allele origin: germline.

NM_001042492.3(NF1):c.1527+1173G>A

Gene: NF1 (neurofibromin 1; plus strand). Cytogenetic location: 17q11.2.
Variant type: single nucleotide variant.
Coding change: c.1527+1173G>A on transcript NM_001042492.3 (MANE Select); 1173 bases into the intron after coding-DNA position 1527, G replaced by A.
Molecular consequence: intron variant.
Genome position (GRCh38, 1-based): chr17:31,215,758, G>A. VCF-style: chr17-31215758-G-A. GRCh37 (hg19) VCF-style: chr17-29542776-G-A.
Other names: c.1527+1173G>A (NM_000267.3, NM_000267.4, NM_001128147.3).
Identifiers: ClinVar variation 4934488 (VCV004934488.2).